The following is an entry in ClinVar:

ClinVar aggregate classification (germline): Uncertain significance (1 of 4 stars; one submission).

Conditions:
Hereditary cancer-predisposing syndrome. Also called: Hereditary Cancer Syndrome; Hereditary neoplastic syndrome; Tumor predisposition; Neoplastic Syndromes, Hereditary. Identifiers: Orphanet 140162, MedGen C0027672, MeSH D009386, MONDO:0015356.

Allele frequency attached by ClinVar (database versions not stated): TOPMed below 0.00001.

Submission:

Ambry Genetics
Classification: Uncertain significance for Hereditary cancer-predisposing syndrome. Last evaluated: 2022-05-31. Review status: criteria provided, single submitter. Criteria: Ambry Variant Classification Scheme 2023. Collection method: clinical testing. Allele origin: germline.
Comment: The c.2295C>G variant (also known as p.V765V), located in coding exon 9 of the MET gene, results from a C to G substitution at nucleotide position 2295. This nucleotide substitution does not change the valine at codon 765. This nucleotide position is poorly conserved in available vertebrate species. In silico splice site analysis for this alteration is inconclusive. Since supporting evidence is limited at this time, the clinical significance of this alteration remains unclear.

NM_000245.4(MET):c.2265-24C>G

Gene: MET (MET proto-oncogene, receptor tyrosine kinase; plus strand). Cytogenetic location: 7q31.2.
Variant type: single nucleotide variant.
Coding change: c.2265-24C>G on transcript NM_000245.4 (MANE Select); 24 bases into the intron before coding-DNA position 2265, C replaced by G.
Molecular consequence: intron variant. On other transcripts: synonymous variant (1).
Genome position (GRCh38, 1-based): chr7:116,759,367, C>G. VCF-style: chr7-116759367-C-G. GRCh37 (hg19) VCF-style: chr7-116399421-C-G.
Other names: c.2295C>G, p.Val765= (NM_001127500.3); c.975-24C>G (NM_001324402.2); c.2265-24C>G (NM_001324401.3).
Identifiers: ClinVar variation 1789160 (VCV001789160.2), dbSNP rs1584943686, ClinGen allele CA457217156.